The following is an entry in ClinVar:

ClinVar aggregate classification (germline): Uncertain significance (1 of 4 stars; one submission).

Conditions:
Familial adenomatous polyposis 1 (FAP1). Also called: POLYPOSIS, ADENOMATOUS INTESTINAL; FAMILIAL ADENOMATOUS POLYPOSIS 1, ATTENUATED. Identifiers: MedGen C2713442, MONDO:0021056, OMIM 175100. Disease mechanism: loss of function.

Submission:

Labcorp Genetics (formerly Invitae), Labcorp
Classification: Uncertain significance for Familial adenomatous polyposis 1. Last evaluated: 2020-04-12. Review status: criteria provided, single submitter. Criteria: Invitae Variant Classification Sherloc (09022015). Collection method: clinical testing. Allele origin: germline.
Comment: This sequence change replaces asparagine with lysine at codon 1981 of the APC protein (p.Asn1981Lys). The asparagine residue is moderately conserved and there is a moderate physicochemical difference between asparagine and lysine. This variant is not present in population databases (ExAC no frequency). This variant has not been reported in the literature in individuals with APC-related conditions. Algorithms developed to predict the effect of missense changes on protein structure and function (SIFT, PolyPhen-2, Align-GVGD) all suggest that this variant is likely to be tolerated, but these predictions have not been confirmed by published functional studies and their clinical significance is uncertain. In summary, the available evidence is currently insufficient to determine the role of this variant in disease. Therefore, it has been classified as a Variant of Uncertain Significance.

NM_000038.6(APC):c.5943T>A (p.Asn1981Lys)

Gene: APC (APC regulator of Wnt signaling pathway; plus strand). Cytogenetic location: 5q22.2.
Variant type: single nucleotide variant.
Coding change: c.5943T>A on transcript NM_000038.6 (MANE Select); coding-DNA position 5943, T replaced by A.
Protein change: p.Asn1981Lys; replaces asparagine 1981 with lysine.
Molecular consequence: missense variant.
Genome position (GRCh38, 1-based): chr5:112,841,537, T>A. VCF-style: chr5-112841537-T-A. GRCh37 (hg19) VCF-style: chr5-112177234-T-A.
Other names: c.5943T>A, p.Asn1981Lys (NM_001127510.3, NM_001354895.2); c.5889T>A, p.Asn1963Lys (NM_001127511.3); c.5997T>A, p.Asn1999Lys (NM_001354896.2); c.5973T>A, p.Asn1991Lys (NM_001354897.2); c.5868T>A, p.Asn1956Lys (NM_001354898.2); c.5859T>A, p.Asn1953Lys (NM_001354899.2); c.5820T>A, p.Asn1940Lys (NM_001354900.2); c.5766T>A, p.Asn1922Lys (NM_001354901.2); and 5 more; short protein forms N1698K, N1821K, N1855K, N1880K, N1890K, N1922K, N1940K, N1953K.
Identifiers: ClinVar variation 1018219 (VCV001018219.10), dbSNP rs1766095261, ClinGen allele CA16034338.